The following is an entry in ClinVar:

ClinVar aggregate classification (germline): Uncertain significance (1 of 4 stars; one submission).

Submission:

Labcorp Genetics (formerly Invitae), Labcorp
Classification: Uncertain significance. Last evaluated: 2022-07-12. Review status: criteria provided, single submitter. Criteria: Invitae Variant Classification Sherloc (09022015). Collection method: clinical testing. Allele origin: germline.
Comment: This variant has not been reported in the literature in individuals affected with EIF2B3-related conditions. This variant is not present in population databases (gnomAD no frequency). This sequence change replaces threonine, which is neutral and polar, with alanine, which is neutral and non-polar, at codon 197 of the EIF2B3 protein (p.Thr197Ala). ClinVar contains an entry for this variant (Variation ID: 1360866). Algorithms developed to predict the effect of missense changes on protein structure and function (SIFT, PolyPhen-2, Align-GVGD) all suggest that this variant is likely to be tolerated. In summary, the available evidence is currently insufficient to determine the role of this variant in disease. Therefore, it has been classified as a Variant of Uncertain Significance.

NM_020365.5(EIF2B3):c.589A>G (p.Thr197Ala)

Gene: EIF2B3 (eukaryotic translation initiation factor 2B subunit gamma; minus strand). Cytogenetic location: 1p34.1.
Variant type: single nucleotide variant.
Coding change: c.589A>G on transcript NM_020365.5 (MANE Select); coding-DNA position 589, A replaced by G.
Protein change: p.Thr197Ala; replaces threonine 197 with alanine.
Molecular consequence: missense variant.
Genome position (GRCh38, 1-based): chr1:44,897,422, T>C on the plus strand (A>G on the coding strand, the complement: EIF2B3 is on the minus strand). VCF-style: chr1-44897422-T-C. GRCh37 (hg19) VCF-style: chr1-45363094-T-C.
Other names: c.589A>G, p.Thr197Ala (NM_001166588.3, NM_001261418.2); short protein forms T197A.
Identifiers: ClinVar variation 1360866 (VCV001360866.8), dbSNP rs2148914578, ClinGen allele CA340096275.